The following is an entry in ClinVar:

NM_006947.4(SRP72):c.*622_*639del

Gene: SRP72 (signal recognition particle 72; plus strand). Cytogenetic location: 4q12.
Variant type: Deletion.
Coding change: c.*622_*639del on transcript NM_006947.4 (MANE Select); 622 bases downstream of the stop codon through 639 bases downstream of the stop codon, 18 bases deleted (GTATATATATATACATAT).
Molecular consequence: 3 prime UTR variant. On other transcripts: non-coding transcript variant (1).
Genome position (GRCh38, 1-based): chr4:56,502,483-56,502,500, GTATATATATATACATAT deleted; deleting any 18 consecutive bases within chr4:56,502,479-56,502,500 gives the same sequence; the c. name uses the placement nearest the transcript's 3' end. VCF-style (leftmost placement, unchanged base first): chr4-56502478-TATATGTATATATATATAC-T. GRCh37 (hg19) VCF-style: chr4-57368644-TATATGTATATATATATAC-T.
Other names: c.*622_*639del (NM_001267722.2).
Identifiers: ClinVar variation 2654772 (VCV002654772.24), dbSNP rs1481908289, ClinGen allele CA551769768.

ClinVar aggregate classification (germline): Benign (1 of 4 stars; one submission).

Submission:

CeGaT Center for Human Genetics Tuebingen
Classification: Benign. Last evaluated: 2022-10-01. Review status: criteria provided, single submitter. Criteria: CeGaT Center For Human Genetics Tuebingen Variant Classification Criteria Version 2. Collection method: clinical testing. Allele origin: germline. Affected: yes. Observed: 1 variant allele.
Comment: SRP72: BS1, BS2